The following is an entry in ClinVar:

ClinVar aggregate classification (germline): Likely pathogenic. Review status: reviewed by expert panel (3 of 4 stars). 2 submissions from 2 submitters: Likely pathogenic (1). 1 of the submissions does not count toward it. Last evaluated 2022-07-25.

Conditions:
Mitochondrial disease. Also called: Mitochondrial disorder; Mitochondrial disorders. Identifiers: Orphanet 68380, MedGen C0751651, MeSH D028361, MONDO:0044970.
Primary Mitochondrial Disorders. Identifiers: MedGen CN381104.
Leigh syndrome (NULS). Also called: Leigh's syndrome; LEIGH SYNDROME, NUCLEAR; Leigh Disease; Subacute necrotizing encephalopathy; Necrotizing encephalopathy infantile subacute of Leigh; Leigh's necrotizing encephalopathy. Identifiers: Orphanet 506, MedGen C2931891, MONDO:0009723, OMIM 256000.

Submissions (2):

ClinGen Mitochondrial Disease Nuclear and Mitochondrial  Variant Curation Expert Panel, ClinGen
Classification: Likely pathogenic for Mitochondrial disease. Last evaluated: 2022-07-25. Review status: reviewed by expert panel. Criteria: clingen mito disease acmg specifications v1-1. Collection method: curation. Allele origin: germline. Inheritance: Mitochondrial inheritance.
Comment: The m.9155A>G (p.Q210R) variant in MT-ATP6 has been reported in three unrelated individuals in the literature (PMIDs: 34961688, 27966441, 27450679) and has been reported to have been seen by experts on this panel in an additional three unrelated individuals. Heteroplasmy levels were variable in affected individuals as were mitochondrial disease features, although diabetes and deafness were reported in several individuals (PS4_moderate; PMIDs: 34961688, 27966441, 27450679). The variant occurred in de novo in one of the cases reported by an expert on this panel and in one of the cases reported in the literature (PS2_moderate; PMID: 27450679). There are no large families reported in the medical literature to consider for evidence of segregation. This variant is absent in the GenBank dataset, Helix dataset, and gnomAD v3.1.2 (PM2_supporting). The computational predictor APOGEE gives a consensus rating of pathogenic with a score of 0.53 (Min=0, Max=1), which predicts a damaging effect on gene function (PP3). There are no cybrids or single fiber studies reported on this variant. In summary, this variant meets criteria to be classified as likely pathogenic for primary mitochondrial disease inherited in a mitochondrial manner. This classification was approved by the NICHD/NINDS U24 ClinGen Mitochondrial Disease Variant Curation Expert Panel on July 25, 2022. Mitochondrial DNA-specific ACMG/AMP criteria applied (PMID: 32906214): PS2_moderate, PS4_moderate, PM2_supporting, PP3.

Variantyx, Inc.
Classification: Likely pathogenic for primary mitochondrial disorders. Last evaluated: 2025-12-30. Review status: criteria provided, single submitter. Criteria: Variantyx Assertion Criteria 2022. Collection method: clinical testing. Allele origin: germline. Inheritance: Mitochondrial inheritance. Not counted in ClinVar's aggregate classification.
Comment: The m.9155A>G, c.629A>G, p.Gln210Arg change is a nonsynonymous single nucleotide variant in the MT-ATP6 gene. Pathogenic variants in this gene have been associated with primary mitochondrial disorders. This variant was not detected in the mother of this individual (PMID: 27450679) (PS2). It has been reported in at least two unrelated affected individuals from different top-level haplogroups (PMID: 34961688, 27966441, 27450679) (PS4_Supporting). Computational algorithms support a deleterious effect on the gene or gene product 0.53 (PP3). This variant is absent from control populations (PM2). Other reputable laboratories have reported this variant as pathogenic or likely pathogenic, and this classification has been validated by an expert panel in ClinVar (PP5). Based on the current evidence, this variant is classified as likely pathogenic for primary mitochondrial disorders.

Literature cited by the submitters: PubMed 27450679 (cited by Variantyx, Inc.); PubMed 34961688 (cited by Variantyx, Inc.); PubMed 27966441 (cited by Variantyx, Inc.).

NC_012920.1(MT-ATP6):m.9155A>G

Gene: MT-ATP6 (mitochondrially encoded ATP synthase 6; plus strand).
Variant type: single nucleotide variant.
Genome position: chrM-9155-A-G.
Identifiers: ClinVar variation 986472 (VCV000986472.4), dbSNP rs2521964059, ClinGen allele CA414802316.